The following is an entry in ClinVar:

ClinVar aggregate classification (germline): Uncertain significance. Review status: criteria provided, multiple submitters, no conflicts (2 of 4 stars). 2 submissions from 2 submitters: Uncertain significance (2). Last evaluated 2025-02-27.

Conditions:
Inborn genetic diseases. Identifiers: MedGen C0950123, MeSH D030342.
MECOM-related disorder. Also called: MECOM-related condition.

gnomAD v4.1: 8 of 1,613,972 alleles (0.0005%); highest among the groups gnomAD compares: African/African-American, 0.0093%; no homozygotes.

Submissions (2):

Ambry Genetics
Classification: Uncertain significance for Inborn genetic diseases. Last evaluated: 2025-02-27. Review status: criteria provided, single submitter. Criteria: Ambry Variant Classification Scheme 2023. Collection method: clinical testing. Allele origin: germline.
Comment: The p.P758S variant (also known as c.2272C>T), located in coding exon 8 of the MECOM gene, results from a C to T substitution at nucleotide position 2272. The proline at codon 758 is replaced by serine, an amino acid with similar properties. This amino acid position is conserved. In addition, this alteration is predicted to be tolerated by in silico analysis. Based on the available evidence, the clinical significance of this variant remains unclear.

PreventionGenetics, part of Exact Sciences
Classification: Uncertain significance for MECOM-related condition. Last evaluated: 2025-02-14. Review status: criteria provided, single submitter. Criteria: ACMG Guidelines, 2015. Collection method: clinical testing. Allele origin: germline.
Comment: The MECOM c.1708C>T variant is predicted to result in the amino acid substitution p.Pro570Ser. To our knowledge, this variant has not been reported in the literature. This variant is reported in 0.0062% of alleles in individuals of African descent in gnomAD. At this time, the clinical significance of this variant is uncertain due to the absence of conclusive functional and genetic evidence.

NM_004991.4(MECOM):c.2272C>T (p.Pro758Ser)

Gene: MECOM (MDS1 and EVI1 complex locus; minus strand). Cytogenetic location: 3q26.2.
Variant type: single nucleotide variant.
Coding change: c.2272C>T on transcript NM_004991.4 (MANE Select); coding-DNA position 2272, C replaced by T.
Protein change: p.Pro758Ser; replaces proline 758 with serine.
Molecular consequence: missense variant.
Genome position (GRCh38, 1-based): chr3:169,115,600, G>A on the plus strand (C>T on the coding strand, the complement: MECOM is on the minus strand). VCF-style: chr3-169115600-G-A. GRCh37 (hg19) VCF-style: chr3-168833388-G-A.
Other names: c.1903C>T, p.Pro635Ser (NM_001105077.4); c.1708C>T, p.Pro570Ser (NM_001105078.4, NM_001164000.2, NM_001205194.2 and 4 more transcripts); c.1711C>T, p.Pro571Ser (NM_001163999.2, NM_001366467.2, NM_001366468.2 and 1 more transcripts); c.2272C>T, p.Pro758Ser (NM_001366466.2); c.1300C>T, p.Pro434Ser (NM_001366473.2); c.736C>T, p.Pro246Ser (NM_001366474.2); c.1708C>T (NM_001105078.3); short protein forms P246S, P570S, P635S, P758S, P571S, P434S.
Identifiers: ClinVar variation 3871864 (VCV003871864.2).